The following is an entry in ClinVar:

NM_006514.4(SCN10A):c.4396C>T (p.Gln1466Ter)

Gene: SCN10A (sodium voltage-gated channel alpha subunit 10; minus strand). Cytogenetic location: 3p22.2.
Variant type: single nucleotide variant.
Coding change: c.4396C>T on transcript NM_006514.4 (MANE Select); coding-DNA position 4396, C replaced by T.
Protein change: p.Gln1466Ter; replaces glutamine 1466 with a stop codon.
Molecular consequence: nonsense.
Genome position (GRCh38, 1-based): chr3:38,702,100, G>A on the plus strand (C>T on the coding strand, the complement: SCN10A is on the minus strand). VCF-style: chr3-38702100-G-A. GRCh37 (hg19) VCF-style: chr3-38743591-G-A.
Other names: c.4393C>T, p.Gln1465Ter (NM_001293306.2); c.4102C>T, p.Gln1368Ter (NM_001293307.2); c.4396C>T (NM_006514.2); short protein forms Q1466*, Q1368*, Q1465*.
Identifiers: ClinVar variation 407739 (VCV000407739.18), dbSNP rs199931920, ClinGen allele CA2319897.

ClinVar aggregate classification (germline): Conflicting classifications of pathogenicity. Review status: criteria provided, conflicting classifications (1 of 4 stars). 4 submissions from 4 submitters: Uncertain significance (1); Benign (1); Likely benign (2). Last evaluated 2026-04-03.

Conditions:
Cardiovascular phenotype. Identifiers: MedGen CN230736.
Brugada syndrome. Also called: Sudden unexpected nocturnal death syndrome; Sudden unexplained nocturnal death syndrome; Sudden Unexplained Death Syndrome; Sudden Unexplained Nocturnal Death Syndrome (SUNDS). Identifiers: Orphanet 130, MedGen C1142166, MONDO:0015263.

Allele frequency attached by ClinVar (database versions not stated): ExAC 0.00007; gnomAD 0.00009 and 0.00010; gnomAD exomes 0.00009; TOPMed 0.00009.
gnomAD v4.1: 105 of 1,550,344 alleles (0.0068%); highest among the groups gnomAD compares: Non-Finnish European, 0.00087%; no homozygotes.

Submissions (4):

Women's Health and Genetics/Laboratory Corporation of America, LabCorp
Classification: Benign. Last evaluated: 2026-04-03. Review status: criteria provided, single submitter. Criteria: LabCorp Variant Classification Summary - May 2015. Collection method: clinical testing. Allele origin: germline.
Comment: Variant summary: SCN10A c.4396C>T (p.Gln1466X) results in a premature termination codon, predicted to cause a truncation of the encoded protein or absence of the protein due to nonsense mediated decay, however current evidence is not sufficient to establish loss of function as a mechanism for disease. The variant allele was found at a frequency of 8.7e-05 in 229626 control chromosomes, predominantly at a frequency of 0.0029 within the Ashkenazi Jewish subpopulation in the gnomAD database. The observed variant frequency within Ashkenazi Jewish control individuals in the gnomAD database exceeds the estimated maximal expected allele frequency for disease-causing variants in SCN10A. To our knowledge, no occurrence of c.4396C>T in individuals affected with SCN10A-related conditions and no experimental evidence demonstrating its impact on protein function have been reported. ClinVar contains an entry for this variant (Variation ID: 407739). Based on the evidence outlined above, the variant was classified as benign.

Labcorp Genetics (formerly Invitae), Labcorp
Classification: Likely benign for Brugada syndrome. Last evaluated: 2025-11-03. Review status: criteria provided, single submitter. Criteria: Invitae Variant Classification Sherloc (09022015). Collection method: clinical testing. Allele origin: germline.

GeneDx
Classification: Uncertain significance. Last evaluated: 2025-05-21. Review status: criteria provided, single submitter. Criteria: GeneDx Variant Classification Process June 2021. Collection method: clinical testing. Allele origin: germline. Affected: yes.
Comment: Observed in a large cohort of individuals with cardiovascular disease traits; however, segregation and clinical information were not provided (PMID: 31345219); Nonsense variant predicted to result in protein truncation or nonsense mediated decay in a gene or region of a gene for which loss of function is not a well-established mechanism of disease; This variant is associated with the following publications: (PMID: 31345219)

Ambry Genetics
Classification: Likely benign for Cardiovascular phenotype. Last evaluated: 2021-06-07. Review status: criteria provided, single submitter. Criteria: Ambry Variant Classification Scheme 2023. Collection method: clinical testing. Allele origin: germline.